The following is an entry in ClinVar:

ClinVar aggregate classification (germline): Uncertain significance. Review status: criteria provided, multiple submitters, no conflicts (2 of 4 stars). 4 submissions from 4 submitters: Uncertain significance (3). 1 of the submissions does not count toward it. Last evaluated 2025-05-07.

Conditions:
Hereditary cancer-predisposing syndrome. Also called: Hereditary neoplastic syndrome; Hereditary Cancer Syndrome; Neoplastic Syndromes, Hereditary; Tumor predisposition. Identifiers: Orphanet 140162, MedGen C0027672, MeSH D009386, MONDO:0015356.
Ataxia-telangiectasia syndrome (AT). Also called: Ataxia-telangiectasia, complementation group D; Cerebello-oculocutaneous telangiectasia; Immunodeficiency with ataxia telangiectasia; ATAXIA-TELANGIECTASIA, COMPLEMENTATION GROUP A; ATAXIA-TELANGIECTASIA, FRESNO VARIANT; LOUIS-BAR SYNDROME. Identifiers: Orphanet 100, MedGen C0004135, MONDO:0008840, OMIM 208900.

gnomAD v4.1: 22 of 1,613,854 alleles (0.0014%); highest among the groups gnomAD compares: Non-Finnish European, 0.0019%; no homozygotes.

Submissions (4):

Labcorp Genetics (formerly Invitae), Labcorp
Classification: Uncertain significance for Ataxia-telangiectasia syndrome. Last evaluated: 2025-05-07. Review status: criteria provided, single submitter. Criteria: Invitae Variant Classification Sherloc (09022015). Collection method: clinical testing. Allele origin: germline.
Comment: This sequence change replaces glycine, which is neutral and non-polar, with valine, which is neutral and non-polar, at codon 1679 of the ATM protein (p.Gly1679Val). This variant is not present in population databases (gnomAD no frequency). This variant has not been reported in the literature in individuals affected with ATM-related conditions. ClinVar contains an entry for this variant (Variation ID: 419816). Invitae Evidence Modeling of protein sequence and biophysical properties (such as structural, functional, and spatial information, amino acid conservation, physicochemical variation, residue mobility, and thermodynamic stability) indicates that this missense variant is expected to disrupt ATM protein function with a positive predictive value of 95%. In summary, the available evidence is currently insufficient to determine the role of this variant in disease. Therefore, it has been classified as a Variant of Uncertain Significance.

Ambry Genetics
Classification: Uncertain significance for Hereditary cancer-predisposing syndrome. Last evaluated: 2023-01-16. Review status: criteria provided, single submitter. Criteria: Ambry Variant Classification Scheme 2023. Collection method: clinical testing. Allele origin: germline.
Comment: The p.G1679V variant (also known as c.5036G>T), located in coding exon 33 of the ATM gene, results from a G to T substitution at nucleotide position 5036. The glycine at codon 1679 is replaced by valine, an amino acid with dissimilar properties. This amino acid position is highly conserved in available vertebrate species. In addition, this alteration is predicted to be deleterious by in silico analysis. Since supporting evidence is limited at this time, the clinical significance of this alteration remains unclear.

GeneDx
Classification: Uncertain significance. Last evaluated: 2015-09-14. Review status: criteria provided, single submitter. Criteria: GeneDx Variant Classification (06012015). Collection method: clinical testing. Allele origin: germline. Affected: yes.
Comment: This variant is denoted ATM c.5036G>T at the cDNA level, p.Gly1679Val (G1679V) at the protein level, and results in the change of a Glycine to a Valine (GGT>GTT). This variant has not, to our knowledge, been published in the literature as pathogenic or benign. ATM Gly1679Val was not observed in approximately 6,500 individuals of European and African American ancestry in the NHLBI Exome Sequencing Project, indicating it is not a common benign variant in these populations. Since Glycine and Valine share similar properties, this is considered a conservative amino acid substitution. ATM Gly1679Val occurs at a position that is conserved across species and is located within the ATM kinase domain (Stracker 2013). In silico analyses predict that this variant is probably damaging to protein structure and function. Based on currently available information, it is unclear whether ATM Gly1679Val is pathogenic or benign. We consider it to be a variant of uncertain significance.

Natera, Inc.
Classification: Uncertain significance for Ataxia-telangiectasia. Last evaluated: 2021-01-29. Review status: no assertion criteria provided. Collection method: clinical testing. Allele origin: germline. Not counted in ClinVar's aggregate classification.

NM_000051.4(ATM):c.5036G>T (p.Gly1679Val)

Gene: ATM (ATM serine/threonine kinase; plus strand). Cytogenetic location: 11q22.3.
Variant type: single nucleotide variant.
Coding change: c.5036G>T on transcript NM_000051.4 (MANE Select); coding-DNA position 5036, G replaced by T.
Protein change: p.Gly1679Val; replaces glycine 1679 with valine.
Molecular consequence: missense variant.
Genome position (GRCh38, 1-based): chr11:108,299,744, G>T. VCF-style: chr11-108299744-G-T. GRCh37 (hg19) VCF-style: chr11-108170471-G-T.
Other names: c.5036G>T, p.Gly1679Val (NM_001351834.2); short protein forms G1679V.
Identifiers: ClinVar variation 419816 (VCV000419816.14), dbSNP rs1064794124, ClinGen allele CA16619192.